The following is an entry in ClinVar:

ClinVar aggregate classification (germline): Conflicting classifications of pathogenicity. Review status: criteria provided, conflicting classifications (1 of 4 stars). 3 submissions from 3 submitters: Uncertain significance (2); Benign (1). Last evaluated 2026-01-27.

Conditions:
Primary ciliary dyskinesia. Also called: Ciliary dyskinesia. Identifiers: Orphanet 244, MedGen C0008780, MONDO:0016575, HP:0012265.
Primary ciliary dyskinesia 7. Also called: CILIARY DYSKINESIA, PRIMARY, 7, WITH OR WITHOUT SITUS INVERSUS. Identifiers: Orphanet 244, MedGen C2678473, MONDO:0012748, OMIM 611884.

Allele frequency attached by ClinVar (database versions not stated): gnomAD 0.00003; TOPMed 0.00006; gnomAD exomes 0.00013; ExAC 0.00014; 1000 Genomes Project 30x 0.00016; 1000 Genomes Project 0.00020.
gnomAD v4.1: 30 of 1,612,908 alleles (0.0019%); highest among the groups gnomAD compares: East Asian, 0.065%; no homozygotes.

Submissions (3):

Labcorp Genetics (formerly Invitae), Labcorp
Classification: Benign for Primary ciliary dyskinesia. Last evaluated: 2026-01-27. Review status: criteria provided, single submitter. Criteria: Invitae Variant Classification Sherloc (09022015). Collection method: clinical testing. Allele origin: germline.

The Laboratory of Genetics and Metabolism, Hunan Children’s Hospital
Classification: Uncertain significance for Primary ciliary dyskinesia 7. Last evaluated: 2021-03-06. Review status: criteria provided, single submitter. Criteria: ACMG Guidelines, 2015. Collection method: research. Allele origin: germline. Affected: yes. Observed: 1 variant allele.
Comment: In compound heterozygosity following autosomal recessive inheritance.

Blueprint Genetics
Classification: Uncertain significance. Last evaluated: 2021-01-13. Review status: criteria provided, single submitter. Criteria: ACMG Guidelines, 2015. Collection method: clinical testing. Allele origin: germline.

Literature cited by the submitters: PubMed 34298581 (cited by The Laboratory of Genetics and Metabolism, Hunan Children’s Hospital).

NM_001277115.2(DNAH11):c.11352C>A (p.Phe3784Leu)

Gene: DNAH11 (dynein axonemal heavy chain 11; plus strand). Cytogenetic location: 7p15.3.
Variant type: single nucleotide variant.
Coding change: c.11352C>A on transcript NM_001277115.2 (MANE Select); coding-DNA position 11352, C replaced by A.
Protein change: p.Phe3784Leu; replaces phenylalanine 3784 with leucine.
Molecular consequence: missense variant.
Genome position (GRCh38, 1-based): chr7:21,862,002, C>A. VCF-style: chr7-21862002-C-A. GRCh37 (hg19) VCF-style: chr7-21901620-C-A.
Other names: short protein forms F3784L.
Identifiers: ClinVar variation 1172765 (VCV001172765.6), dbSNP rs553539918, ClinGen allele CA4182711.